The following is an entry in ClinVar:

NM_001384474.1(LOXHD1):c.1519-2A>T

Gene: LOXHD1 (lipoxygenase homology PLAT domains 1; minus strand). Cytogenetic location: 18q21.1.
Variant type: single nucleotide variant.
Coding change: c.1519-2A>T on transcript NM_001384474.1 (MANE Select); the canonical splice acceptor site of the intron before coding-DNA position 1519, A replaced by T.
Molecular consequence: splice acceptor variant.
Genome position (GRCh38, 1-based): chr18:46,592,070, T>A on the plus strand (A>T on the coding strand, the complement: LOXHD1 is on the minus strand). VCF-style: chr18-46592070-T-A. GRCh37 (hg19) VCF-style: chr18-44172033-T-A.
Other names: c.1519-2A>T (NM_144612.7).
Identifiers: ClinVar variation 1723247 (VCV001723247.1), dbSNP rs2511924769, ClinGen allele CA402380343.

ClinVar aggregate classification (germline): Likely pathogenic (1 of 4 stars; one submission).

Conditions:
Nonsyndromic genetic hearing loss. Also called: Non-syndromic genetic deafness; Nonsyndromic hearing loss and deafness; Nonsyndromic genetic deafness. Identifiers: Orphanet 87884, MedGen C5680182, MONDO:0019497.

Submission:

Women's Health and Genetics/Laboratory Corporation of America, LabCorp
Classification: Likely pathogenic for Nonsyndromic genetic hearing loss. Last evaluated: 2022-10-05. Review status: criteria provided, single submitter. Criteria: LabCorp Variant Classification Summary - May 2015. Collection method: clinical testing. Allele origin: germline.
Comment: Variant summary: LOXHD1 c.1519-2A>T is located in a canonical splice-site and is predicted to affect mRNA splicing resulting in a significantly altered protein due to either exon skipping, shortening, or inclusion of intronic material. Several computational tools predict a significant impact on normal splicing: Four predict the variant abolishes a 3' acceptor site. However, these predictions have yet to be confirmed by functional studies. The variant was absent in 160590 control chromosomes (gnomAD). To our knowledge, no occurrence of c.1519-2A>T in individuals affected with Nonsyndromic Hearing Loss And Deafness, Type 77 and no experimental evidence demonstrating its impact on protein function have been reported. No clinical diagnostic laboratories have submitted clinical-significance assessments for this variant to ClinVar after 2014. Based on the evidence outlined above, the variant was classified as likely pathogenic.